The following is an entry in ClinVar:

ClinVar aggregate classification (germline): Benign/Likely benign. Review status: criteria provided, multiple submitters, no conflicts (2 of 4 stars). 3 submissions from 3 submitters: Benign (1); Likely benign (1). 1 of the submissions does not count toward it. Last evaluated 2024-10-01.

Conditions:
Inborn genetic diseases. Identifiers: MedGen C0950123, MeSH D030342.
PTCHD1-related disorder. Also called: PTCHD1-related condition.

Allele frequency attached by ClinVar (database versions not stated): gnomAD exomes 0.00001 and 0.00008; ExAC 0.00009; gnomAD 0.00023 and 0.00025; 1000 Genomes Project 0.00026; ESP Exome Variant Server 0.00028; TOPMed 0.00034; 1000 Genomes Project 30x 0.00042.
gnomAD v4.1: 42 of 1,208,356 alleles (0.0035%); highest among the groups gnomAD compares: African/African-American, 0.058%; no homozygotes.

Submissions (3):

Ambry Genetics
Classification: Likely benign for Inborn genetic diseases. Last evaluated: 2024-10-01. Review status: criteria provided, single submitter. Criteria: Ambry Variant Classification Scheme 2023. Collection method: clinical testing. Allele origin: germline.

GeneDx
Classification: Benign. Last evaluated: 2020-12-21. Review status: criteria provided, single submitter. Criteria: GeneDx Variant Classification Process June 2021. Collection method: clinical testing. Allele origin: germline. Affected: yes.

PreventionGenetics, part of Exact Sciences
Classification: Likely benign for PTCHD1-related condition. Last evaluated: 2022-03-09. Review status: no assertion criteria provided. Collection method: clinical testing. Allele origin: germline. Not counted in ClinVar's aggregate classification.
Comment: This variant is classified as likely benign based on ACMG/AMP sequence variant interpretation guidelines (Richards et al. 2015 PMID: 25741868, with internal and published modifications).

NM_173495.3(PTCHD1):c.2508T>A (p.Phe836Leu)

Gene: PTCHD1 (patched domain containing 1; plus strand). Cytogenetic location: Xp22.11.
Variant type: single nucleotide variant.
Coding change: c.2508T>A on transcript NM_173495.3 (MANE Select); coding-DNA position 2508, T replaced by A.
Protein change: p.Phe836Leu; replaces phenylalanine 836 with leucine.
Molecular consequence: missense variant.
Genome position (GRCh38, 1-based): chrX:23,394,026, T>A. VCF-style: chrX-23394026-T-A. GRCh37 (hg19) VCF-style: chrX-23412143-T-A.
Other names: short protein forms F836L.
Identifiers: ClinVar variation 1296842 (VCV001296842.7), dbSNP rs139453757, ClinGen allele CA10369243.